The following is an entry in ClinVar:

ClinVar aggregate classification (germline): Uncertain significance (1 of 4 stars; one submission).

Conditions:
DNMT3A-related disorder. Also called: DNMT3A-related condition; DNMT3A-related disorders.

Submission:

PreventionGenetics, part of Exact Sciences
Classification: Uncertain significance for DNMT3A-related condition. Last evaluated: 2024-12-20. Review status: criteria provided, single submitter. Criteria: ACMG Guidelines, 2015. Collection method: clinical testing. Allele origin: germline.
Comment: The DNMT3A c.97C>G variant is predicted to result in the amino acid substitution p.Pro33Ala. To our knowledge, this variant has not been reported in the literature or in a large population database (gnomAD), indicating this variant is rare. At this time, the clinical significance of this variant is uncertain due to the absence of conclusive functional and genetic evidence.

NM_022552.5(DNMT3A):c.640-3746C>G

Gene: DNMT3A (DNA methyltransferase 3 alpha; minus strand). Cytogenetic location: 2p23.3.
Variant type: single nucleotide variant.
Coding change: c.640-3746C>G on transcript NM_022552.5 (MANE Select); 3746 bases into the intron before coding-DNA position 640, C replaced by G.
Molecular consequence: intron variant. On other transcripts: missense variant (1).
Genome position (GRCh38, 1-based): chr2:25,251,998, G>C on the plus strand (C>G on the coding strand, the complement: DNMT3A is on the minus strand). VCF-style: chr2-25251998-G-C. GRCh37 (hg19) VCF-style: chr2-25474867-G-C.
Other names: c.97C>G, p.Pro33Ala (NM_001320893.1); c.640-3746C>G (NM_175629.2); c.4+196C>G (NM_153759.3); c.-31+196C>G (NM_001375819.1); short protein forms P33A.
Identifiers: ClinVar variation 4986718 (VCV004986718.1).